The following is an entry in ClinVar:

NM_001142864.4(PIEZO1):c.2561C>T (p.Ala854Val)

Genes: HSALR1 (HSP90AB1 associated lncRNA 1; plus strand), PIEZO1 (piezo type mechanosensitive ion channel component 1 (Er blood group); minus strand). Cytogenetic location: 16q24.3.
Variant type: single nucleotide variant.
Coding change: c.2561C>T on transcript NM_001142864.4 (MANE Select); coding-DNA position 2561, C replaced by T.
Protein change: p.Ala854Val; replaces alanine 854 with valine.
Molecular consequence: missense variant.
Genome position (GRCh38, 1-based): chr16:88,733,381, G>A on the plus strand (C>T on the coding strand, the complement: PIEZO1 is on the minus strand). VCF-style: chr16-88733381-G-A. GRCh37 (hg19) VCF-style: chr16-88799789-G-A.
Other names: short protein forms A854V.
Identifiers: ClinVar variation 1314759 (VCV001314759.3), dbSNP rs1189050065, ClinGen allele CA397111815.

ClinVar aggregate classification (germline): Uncertain significance. Review status: criteria provided, multiple submitters, no conflicts (2 of 4 stars). 2 submissions from 2 submitters: Uncertain significance (2). Last evaluated 2024-02-05.

Conditions:
Inborn genetic diseases. Identifiers: MedGen C0950123, MeSH D030342.

Allele frequency attached by ClinVar (database versions not stated): gnomAD 0.00001.
gnomAD v4.1: 8 of 1,550,062 alleles (0.00052%); highest among the groups gnomAD compares: East Asian, 0.012%; no homozygotes.

Submissions (2):

Ambry Genetics
Classification: Uncertain significance for Inborn genetic diseases. Last evaluated: 2024-02-05. Review status: criteria provided, single submitter. Criteria: Ambry Variant Classification Scheme 2023. Collection method: clinical testing. Allele origin: germline.

GeneDx
Classification: Uncertain significance. Last evaluated: 2020-01-13. Review status: criteria provided, single submitter. Criteria: GeneDx Variant Classification Process June 2021. Collection method: clinical testing. Allele origin: germline. Affected: yes.
Comment: In silico analysis, which includes protein predictors and evolutionary conservation, supports that this variant does not alter protein structure/function; Has not been previously published as pathogenic or benign to our knowledge